The following is an entry in ClinVar:

ClinVar aggregate classification (germline): Uncertain significance (1 of 4 stars; one submission).

Submission:

Women's Health and Genetics/Laboratory Corporation of America, LabCorp
Classification: Uncertain significance. Last evaluated: 2024-10-01. Review status: criteria provided, single submitter. Criteria: LabCorp Variant Classification Summary - May 2015. Collection method: clinical testing. Allele origin: germline.
Comment: Variant summary: HPRT1 c.521A>G (p.Tyr174Cys) results in a non-conservative amino acid change located in the Phosphoribosyltransferase domain (IPR000836) of the encoded protein sequence. Four of five in-silico tools predict a damaging effect of the variant on protein function. The variant was absent in 183430 control chromosomes. The available data on variant occurrences in the general population are insufficient to allow any conclusion about variant significance. To our knowledge, no occurrence of c.521A>G in individuals affected with HPRT1-Related Disorders and no experimental evidence demonstrating its impact on protein function have been reported. No submitters have cited clinical-significance assessments for this variant to ClinVar. Based on the evidence outlined above, the variant was classified as uncertain significance.

NM_000194.3(HPRT1):c.521A>G (p.Tyr174Cys)

Gene: HPRT1 (hypoxanthine phosphoribosyltransferase 1; plus strand). Cytogenetic location: Xq26.2.
Variant type: single nucleotide variant.
Coding change: c.521A>G on transcript NM_000194.3 (MANE Select); coding-DNA position 521, A replaced by G.
Protein change: p.Tyr174Cys; replaces tyrosine 174 with cysteine.
Molecular consequence: missense variant.
Genome position (GRCh38, 1-based): chrX:134,498,425, A>G. VCF-style: chrX-134498425-A-G. GRCh37 (hg19) VCF-style: chrX-133632455-A-G.
Other names: short protein forms Y174C.
Identifiers: ClinVar variation 3385016 (VCV003385016.1).
Genomic context (GRCh38, chrX:134,498,425, plus strand): 5'-ATATGTCACATTTTGTAATTAACAGCTTGCTGGTGAAAAGGACCCCACGAAGTGTTGGAT[A>G]TAAGCCAGACTGTAAGTGAATTACTTTTTTTGTCAATCATTTAACCATCTTTAACCTAAA-3'
Protein context (NP_000185.1, residues 164-184): LVKRTPRSVG[Tyr174Cys]KPDFVGFEIP